The following is an entry in ClinVar:

ClinVar aggregate classification (germline): Uncertain significance (0 of 4 stars; one submission).

Conditions:
P2RX2-related disorder. Also called: P2RX2-related condition.

gnomAD v4.1: 6 of 1,613,766 alleles (0.00037%); highest among the groups gnomAD compares: Non-Finnish European, 0.00051%; no homozygotes.

Submission:

PreventionGenetics, part of Exact Sciences
Classification: Uncertain significance for P2RX2-related condition. Last evaluated: 2024-04-22. Review status: no assertion criteria provided. Collection method: clinical testing. Allele origin: germline.
Comment: The P2RX2 c.1006C>T variant is predicted to result in the amino acid substitution p.Pro336Ser. To our knowledge, this variant has not been reported in the literature. This variant is reported in 0.00088% of alleles in individuals of European (Non-Finnish) descent in gnomAD. At this time, the clinical significance of this variant is uncertain due to the absence of conclusive functional and genetic evidence.

NM_170682.4(P2RX2):c.996+10C>T

Gene: P2RX2 (purinergic receptor P2X 2; plus strand). Cytogenetic location: 12q24.33.
Variant type: single nucleotide variant.
Coding change: c.996+10C>T on transcript NM_170682.4 (MANE Select); 10 bases into the intron after coding-DNA position 996, C replaced by T.
Molecular consequence: intron variant. On other transcripts: missense variant (1).
Genome position (GRCh38, 1-based): chr12:132,621,355, C>T. VCF-style: chr12-132621355-C-T. GRCh37 (hg19) VCF-style: chr12-133197941-C-T.
Other names: c.1006C>T, p.Pro336Ser (NM_001282165.2); c.996+10C>T (NM_170683.4, NM_174873.3); c.924+10C>T (NM_016318.4); c.894+10C>T (NM_001282164.2); c.780+10C>T (NM_012226.5); c.720+10C>T (NM_174872.3); short protein forms P336S.
Identifiers: ClinVar variation 3348025 (VCV003348025.1).